The following is an entry in ClinVar:

NM_021930.6(RINT1):c.1681C>A (p.Gln561Lys)

Gene: RINT1 (RAD50 interactor 1; plus strand). Cytogenetic location: 7q22.3.
Variant type: single nucleotide variant.
Coding change: c.1681C>A on transcript NM_021930.6 (MANE Select); coding-DNA position 1681, C replaced by A.
Protein change: p.Gln561Lys; replaces glutamine 561 with lysine.
Molecular consequence: missense variant. On other transcripts: non-coding transcript variant (1).
Genome position (GRCh38, 1-based): chr7:105,563,742, C>A. VCF-style: chr7-105563742-C-A. GRCh37 (hg19) VCF-style: chr7-105204189-C-A.
Other names: c.1447C>A, p.Gln483Lys (NM_001346599.2); c.658C>A, p.Gln220Lys (NM_001346600.2, NM_001346603.2); c.757C>A, p.Gln253Lys (NM_001346601.2); short protein forms Q253K, Q561K, Q220K, Q483K.
Identifiers: ClinVar variation 3433664 (VCV003433664.1).

ClinVar aggregate classification (germline): Uncertain significance (1 of 4 stars; one submission).

Submission:

Ambry Genetics
Classification: Uncertain significance. Last evaluated: 2024-12-01. Review status: criteria provided, single submitter. Criteria: Ambry Variant Classification Scheme 2023. Collection method: clinical testing. Allele origin: germline.
Comment: The p.Q561K variant (also known as c.1681C>A), located in coding exon 12 of the RINT1 gene, results from a C to A substitution at nucleotide position 1681. The glutamine at codon 561 is replaced by lysine, an amino acid with similar properties. This amino acid position is conserved. In addition, the in silico prediction for this alteration is inconclusive. Based on the available evidence, the clinical significance of this variant remains unclear.